The following is an entry in ClinVar:

ClinVar aggregate classification (germline): Likely pathogenic. Review status: criteria provided, multiple submitters, no conflicts (2 of 4 stars). 3 submissions from 3 submitters: Likely pathogenic (3). Last evaluated 2025-05-11.

Conditions:
Cystinuria (CSNU). Also called: CYSTINURIA, TYPE I; CYSTINURIA, TYPE II; CYSTINURIA, TYPE III; Cystinuria, non-type I. Identifiers: Orphanet 214, MedGen C0010691, MONDO:0009067, OMIM 220100, HP:0003131.

Allele frequency attached by ClinVar (database versions not stated): gnomAD 0.00001; ExAC 0.00002; gnomAD exomes 0.00002; TOPMed 0.00002.
gnomAD v4.1: 47 of 1,613,904 alleles (0.0029%); highest among the groups gnomAD compares: Admixed American, 0.005%; no homozygotes.

Submissions (3):

Labcorp Genetics (formerly Invitae), Labcorp
Classification: Likely pathogenic. Last evaluated: 2025-05-11. Review status: criteria provided, single submitter. Criteria: Invitae Variant Classification Sherloc (09022015). Collection method: clinical testing. Allele origin: germline.
Comment: This sequence change replaces alanine, which is neutral and non-polar, with valine, which is neutral and non-polar, at codon 70 of the SLC7A9 protein (p.Ala70Val). This variant is present in population databases (rs769448665, gnomAD 0.009%). This missense change has been observed in individual(s) with clinical features of cystinuria (PMID: 11157794, 16374432, 28717662; internal data). ClinVar contains an entry for this variant (Variation ID: 1179051). Invitae Evidence Modeling of protein sequence and biophysical properties (such as structural, functional, and spatial information, amino acid conservation, physicochemical variation, residue mobility, and thermodynamic stability) indicates that this missense variant is not expected to disrupt SLC7A9 protein function with a negative predictive value of 80%. Experimental studies have shown that this missense change affects SLC7A9 function (PMID: 11157794). In summary, the currently available evidence indicates that the variant is pathogenic, but additional data are needed to prove that conclusively. Therefore, this variant has been classified as Likely Pathogenic.

Fulgent Genetics
Classification: Likely pathogenic for Cystinuria. Last evaluated: 2024-02-09. Review status: criteria provided, single submitter. Criteria: ACMG Guidelines, 2015. Collection method: clinical testing. Allele origin: germline.

Juno Genomics, Hangzhou Juno Genomics, Inc
Classification: Likely pathogenic for Cystinuria. Review status: criteria provided, single submitter. Criteria: ACMG Guidelines, 2015. Collection method: clinical testing. Allele origin: germline.
Comment: Absent from controls (or at extremely low frequency if recessive) in Genome Aggregation Database.;For recessive disorders, detected in trans with a pathogenic variant.;Patient's phenotype or family history is highly specific for a disease with a single genetic etiology.;Well-established in vitro or in vivo functional studies supportive of a damaging effect on the gene or gene product.

Literature cited by the submitters: PubMed 11157794 (cited by Labcorp Genetics (formerly Invitae), Labcorp); PubMed 16374432 (cited by Labcorp Genetics (formerly Invitae), Labcorp); PubMed 28717662 (cited by Labcorp Genetics (formerly Invitae), Labcorp).

NM_014270.5(SLC7A9):c.209C>T (p.Ala70Val)

Gene: SLC7A9 (solute carrier family 7 member 9; minus strand). Cytogenetic location: 19q13.11.
Variant type: single nucleotide variant.
Coding change: c.209C>T on transcript NM_014270.5 (MANE Select); coding-DNA position 209, C replaced by T.
Protein change: p.Ala70Val; replaces alanine 70 with valine.
Molecular consequence: missense variant.
Genome position (GRCh38, 1-based): chr19:32,864,655, G>A on the plus strand (C>T on the coding strand, the complement: SLC7A9 is on the minus strand). VCF-style: chr19-32864655-G-A. GRCh37 (hg19) VCF-style: chr19-33355561-G-A.
Other names: c.209C>T, p.Ala70Val (NM_001126335.2, NM_001243036.2); short protein forms A70V.
Identifiers: ClinVar variation 1179051 (VCV001179051.15), dbSNP rs769448665, ClinGen allele CA9358922.